The following is an entry in ClinVar:

NM_024996.7(GFM1):c.1083+6T>G

Gene: GFM1 (G elongation factor mitochondrial 1; plus strand). Cytogenetic location: 3q25.32.
Variant type: single nucleotide variant.
Coding change: c.1083+6T>G on transcript NM_024996.7 (MANE Select); 6 bases into the intron after coding-DNA position 1083, T replaced by G.
Molecular consequence: intron variant.
Genome position (GRCh38, 1-based): chr3:158,654,637, T>G. VCF-style: chr3-158654637-T-G. GRCh37 (hg19) VCF-style: chr3-158372426-T-G.
Other names: c.1140+6T>G (NM_001308164.2, NM_001374355.1); c.858+6T>G (NM_001374357.1); c.966+6T>G (NM_001374356.1); c.516+6T>G (NM_001374359.1, NM_001374360.1); c.399+6T>G (NM_001374361.1); c.624+6T>G (NM_001374358.1); c.1083+6T>G (NM_001308166.2).
Identifiers: ClinVar variation 137461 (VCV000137461.47), dbSNP rs142919829, ClinGen allele CA291057.

ClinVar aggregate classification (germline): Benign/Likely benign. Review status: criteria provided, multiple submitters, no conflicts (2 of 4 stars). 9 submissions from 9 submitters: Benign (6); Likely benign (1). 2 of the submissions do not count toward it. Last evaluated 2026-08-01.

Conditions:
Hepatoencephalopathy due to combined oxidative phosphorylation defect type 1. Also called: HEPATOENCEPHALOPATHY, EARLY FATAL PROGRESSIVE. Identifiers: Orphanet 137681, MedGen C1836797, MONDO:0012191, OMIM 609060.

Allele frequency attached by ClinVar (database versions not stated): 1000 Genomes Project 30x 0.00234; 1000 Genomes Project 0.00240; TOPMed 0.00796; gnomAD 0.00940 and 0.00965; gnomAD exomes 0.00966 and 0.01217; ExAC 0.01003; ESP Exome Variant Server 0.01054.
gnomAD v4.1: 18,711 of 1,583,856 alleles (1.2%); highest among the groups gnomAD compares: Non-Finnish European, 1.4%; 136 homozygotes.

Submissions 1 to 29 of 42:

CeGaT Center for Human Genetics Tuebingen
Classification: Benign. Last evaluated: 2026-08-01. Review status: criteria provided, single submitter. Criteria: CeGaT Center For Human Genetics Tuebingen Variant Classification Criteria Version 2. Collection method: clinical testing. Allele origin: germline. Affected: yes. Observed: 19 variant alleles.
Comment: GFM1: BP4, BS1, BS2

Labcorp Genetics (formerly Invitae), Labcorp
Classification: Benign. Last evaluated: 2026-02-04. Review status: criteria provided, single submitter. Criteria: Invitae Variant Classification Sherloc (09022015). Collection method: clinical testing. Allele origin: germline.

Blueprint Genetics
Classification: Likely benign. Last evaluated: 2024-11-26. Review status: criteria provided, single submitter. Criteria: ACMG Guidelines, 2015. Collection method: clinical testing. Allele origin: germline.

ARUP Laboratories, Molecular Genetics and Genomics, ARUP Laboratories
Classification: Benign for Hepatoencephalopathy due to combined oxidative phosphorylation defect type 1. Last evaluated: 2023-08-21. Review status: criteria provided, single submitter. Criteria: ARUP Molecular Germline Variant Investigation Process 2024. Collection method: clinical testing. Allele origin: germline.

Illumina Laboratory Services, Illumina
Classification: Benign for Hepatoencephalopathy due to combined oxidative phosphorylation defect type 1. Last evaluated: 2018-01-12. Review status: criteria provided, single submitter. Criteria: ICSL Variant Classification Criteria 13 December 2019. Collection method: clinical testing. Allele origin: germline.
Comment: This variant was observed in the ICSL laboratory as part of a predisposition screen in an ostensibly healthy population. It had not been previously curated by ICSL or reported in the Human Gene Mutation Database (HGMD: prior to June 1st, 2018), and was therefore a candidate for classification through an automated scoring system. Utilizing variant allele frequency, disease prevalence and penetrance estimates, and inheritance mode, an automated score was calculated to assess if this variant is too frequent to cause the disease. Based on the score and internal cut-off values, a variant classified as benign is not then subjected to further curation. The score for this variant resulted in a classification of benign for this disease.

GeneDx
Classification: Benign. Last evaluated: 2014-04-24. Review status: criteria provided, single submitter. Criteria: GeneDx Variant Classification (06012015). Collection method: clinical testing. Allele origin: germline. Affected: yes.
Comment: This variant is considered likely benign or benign based on one or more of the following criteria: it is a conservative change, it occurs at a poorly conserved position in the protein, it is predicted to be benign by multiple in silico algorithms, and/or has population frequency not consistent with disease.

Breakthrough Genomics
Classification: Benign. Review status: criteria provided, single submitter. Criteria: ACMG Guidelines, 2015. Collection method: not provided. Allele origin: germline. Inheritance: Autosomal recessive inheritance. Affected: yes.

Natera, Inc.
Classification: Benign for Combined oxidative phosphorylation deficiency 1. Last evaluated: 2020-09-16. Review status: no assertion criteria provided. Collection method: clinical testing. Allele origin: germline. Not counted in ClinVar's aggregate classification.

Mayo Clinic Laboratories, Mayo Clinic
Classification: Benign. Last evaluated: 2016-02-29. Review status: no assertion criteria provided. Collection method: clinical testing. Allele origin: unknown. Not counted in ClinVar's aggregate classification.

Dr. Peter K. Rogan Lab, Western University
No classification provided (evidence only). Condition: Clear cell carcinoma of kidney. Review status: no classification provided. Collection method: in vitro. Allele origin: not applicable. Functional consequence: retained intron. Not counted in ClinVar's aggregate classification.

Dr. Peter K. Rogan Lab, Western University
No classification provided (evidence only). Condition: Clear cell carcinoma of kidney. Review status: no classification provided. Collection method: in vitro. Allele origin: not applicable. Functional consequence: retained intron. Not counted in ClinVar's aggregate classification.

Dr. Peter K. Rogan Lab, Western University
No classification provided (evidence only). Condition: Clear cell carcinoma of kidney. Review status: no classification provided. Collection method: in vitro. Allele origin: not applicable. Functional consequence: retained intron. Not counted in ClinVar's aggregate classification.

Dr. Peter K. Rogan Lab, Western University
No classification provided (evidence only). Condition: Clear cell carcinoma of kidney. Review status: no classification provided. Collection method: in vitro. Allele origin: not applicable. Functional consequence: retained intron. Not counted in ClinVar's aggregate classification.

Dr. Peter K. Rogan Lab, Western University
No classification provided (evidence only). Condition: Clear cell carcinoma of kidney. Review status: no classification provided. Collection method: in vitro. Allele origin: not applicable. Functional consequence: retained intron. Not counted in ClinVar's aggregate classification.

Dr. Peter K. Rogan Lab, Western University
No classification provided (evidence only). Condition: Lung cancer. Review status: no classification provided. Collection method: in vitro. Allele origin: not applicable. Functional consequence: retained intron. Not counted in ClinVar's aggregate classification.

Dr. Peter K. Rogan Lab, Western University
No classification provided (evidence only). Condition: Lung cancer. Review status: no classification provided. Collection method: in vitro. Allele origin: not applicable. Functional consequence: retained intron. Not counted in ClinVar's aggregate classification.

Dr. Peter K. Rogan Lab, Western University
No classification provided (evidence only). Condition: Lung cancer. Review status: no classification provided. Collection method: in vitro. Allele origin: not applicable. Functional consequence: retained intron. Not counted in ClinVar's aggregate classification.

Dr. Peter K. Rogan Lab, Western University
No classification provided (evidence only). Condition: Familial cancer of breast. Review status: no classification provided. Collection method: in vitro. Allele origin: not applicable. Functional consequence: retained intron. Not counted in ClinVar's aggregate classification.

Dr. Peter K. Rogan Lab, Western University
No classification provided (evidence only). Condition: Familial cancer of breast. Review status: no classification provided. Collection method: in vitro. Allele origin: not applicable. Functional consequence: retained intron. Not counted in ClinVar's aggregate classification.

Dr. Peter K. Rogan Lab, Western University
No classification provided (evidence only). Condition: Familial cancer of breast. Review status: no classification provided. Collection method: in vitro. Allele origin: not applicable. Functional consequence: retained intron. Not counted in ClinVar's aggregate classification.

Dr. Peter K. Rogan Lab, Western University
No classification provided (evidence only). Condition: Familial cancer of breast. Review status: no classification provided. Collection method: in vitro. Allele origin: not applicable. Functional consequence: skipped exon, retained intron. Not counted in ClinVar's aggregate classification.

Dr. Peter K. Rogan Lab, Western University
No classification provided (evidence only). Condition: Acute myeloid leukemia. Review status: no classification provided. Collection method: in vitro. Allele origin: not applicable. Functional consequence: retained intron. Not counted in ClinVar's aggregate classification.

Dr. Peter K. Rogan Lab, Western University
No classification provided (evidence only). Condition: Acute myeloid leukemia. Review status: no classification provided. Collection method: in vitro. Allele origin: not applicable. Functional consequence: retained intron. Not counted in ClinVar's aggregate classification.

Dr. Peter K. Rogan Lab, Western University
No classification provided (evidence only). Condition: Acute myeloid leukemia. Review status: no classification provided. Collection method: in vitro. Allele origin: not applicable. Functional consequence: retained intron. Not counted in ClinVar's aggregate classification.

Dr. Peter K. Rogan Lab, Western University
No classification provided (evidence only). Condition: Cervical cancer. Review status: no classification provided. Collection method: in vitro. Allele origin: not applicable. Functional consequence: retained intron. Not counted in ClinVar's aggregate classification.

Dr. Peter K. Rogan Lab, Western University
No classification provided (evidence only). Condition: Sarcoma. Review status: no classification provided. Collection method: in vitro. Allele origin: not applicable. Functional consequence: retained intron. Not counted in ClinVar's aggregate classification.

Dr. Peter K. Rogan Lab, Western University
No classification provided (evidence only). Condition: Thymoma. Review status: no classification provided. Collection method: in vitro. Allele origin: not applicable. Functional consequence: skipped exon, retained intron. Not counted in ClinVar's aggregate classification.

Dr. Peter K. Rogan Lab, Western University
No classification provided (evidence only). Condition: Cholangiocarcinoma. Review status: no classification provided. Collection method: in vitro. Allele origin: not applicable. Functional consequence: retained intron. Not counted in ClinVar's aggregate classification.

Dr. Peter K. Rogan Lab, Western University
No classification provided (evidence only). Condition: Cholangiocarcinoma. Review status: no classification provided. Collection method: in vitro. Allele origin: not applicable. Functional consequence: skipped exon. Not counted in ClinVar's aggregate classification.